The following is an entry in ClinVar:

ClinVar aggregate classification (germline): Uncertain significance (1 of 4 stars; one submission).

Submission:

Greenwood Genetic Center Diagnostic Laboratories, Greenwood Genetic Center
Classification: Uncertain significance. Last evaluated: 2024-07-08. Review status: criteria provided, single submitter. Criteria: ACMG Guidelines, 2015. Collection method: clinical testing. Allele origin: germline. Affected: yes.
Comment: PM2

NM_015884.4(MBTPS2):c.670+2777C>G

Genes: MBTPS2 (membrane bound transcription factor peptidase, site 2; plus strand), YY2 (YY2 transcription factor; plus strand). Cytogenetic location: Xp22.12.
Variant type: single nucleotide variant.
Coding change: c.670+2777C>G on transcript NM_015884.4 (MANE Select); 2777 bases into the intron after coding-DNA position 670, C replaced by G.
Molecular consequence: intron variant. On other transcripts: 5 prime UTR variant (1).
Genome position (GRCh38, 1-based): chrX:21,856,280, C>G. VCF-style: chrX-21856280-C-G. GRCh37 (hg19) VCF-style: chrX-21874398-C-G.
Other names: c.-205C>G (NM_206923.4).
Identifiers: ClinVar variation 3765639 (VCV003765639.1).